The following is an entry in ClinVar:

NM_003923.3(FOXH1):c.771C>T (p.Gly257=)

Gene: FOXH1 (forkhead box H1; minus strand). Cytogenetic location: 8q24.3.
Variant type: single nucleotide variant.
Coding change: c.771C>T on transcript NM_003923.3 (MANE Select); coding-DNA position 771, C replaced by T.
Protein change: p.Gly257=; no amino-acid change (glycine 257 retained).
Molecular consequence: synonymous variant.
Genome position (GRCh38, 1-based): chr8:144,474,565, G>A on the plus strand (C>T on the coding strand, the complement: FOXH1 is on the minus strand). VCF-style: chr8-144474565-G-A. GRCh37 (hg19) VCF-style: chr8-145699948-G-A.
Other names: p.G257G:GGC>GGT.
Identifiers: ClinVar variation 137396 (VCV000137396.19), dbSNP rs115750264, ClinGen allele CA290953.

ClinVar aggregate classification (germline): Benign/Likely benign. Review status: criteria provided, multiple submitters, no conflicts (2 of 4 stars). 8 submissions from 8 submitters: Benign (5); Likely benign (1). 2 of the submissions do not count toward it. Last evaluated 2024-12-02.

Conditions:
Holoprosencephaly sequence (HPE). Also called: Holoprosencephaly. Identifiers: Orphanet 2162, MedGen C0079541, MONDO:0016296, HP:0001360.

Allele frequency attached by ClinVar (database versions not stated): 1000 Genomes Project 0.00200; 1000 Genomes Project 30x 0.00203; TOPMed 0.00231.

Submissions (8):

Labcorp Genetics (formerly Invitae), Labcorp
Classification: Benign for Holoprosencephaly sequence. Last evaluated: 2024-12-02. Review status: criteria provided, single submitter. Criteria: Invitae Variant Classification Sherloc (09022015). Collection method: clinical testing. Allele origin: germline.

Blueprint Genetics
Classification: Likely benign. Last evaluated: 2024-10-07. Review status: criteria provided, single submitter. Criteria: ACMG Guidelines, 2015. Collection method: clinical testing. Allele origin: germline.

Illumina Laboratory Services, Illumina
Classification: Benign for Holoprosencephaly sequence. Last evaluated: 2018-01-12. Review status: criteria provided, single submitter. Criteria: ICSL Variant Classification Criteria 13 December 2019. Collection method: clinical testing. Allele origin: germline.
Comment: This variant was observed in the ICSL laboratory as part of a predisposition screen in an ostensibly healthy population. It had not been previously curated by ICSL or reported in the Human Gene Mutation Database (HGMD: prior to June 1st, 2018), and was therefore a candidate for classification through an automated scoring system. Utilizing variant allele frequency, disease prevalence and penetrance estimates, and inheritance mode, an automated score was calculated to assess if this variant is too frequent to cause the disease. Based on the score and internal cut-off values, a variant classified as benign is not then subjected to further curation. The score for this variant resulted in a classification of benign for this disease.

GeneDx
Classification: Benign. Last evaluated: 2014-04-11. Review status: criteria provided, single submitter. Criteria: GeneDx Variant Classification (06012015). Collection method: clinical testing. Allele origin: germline. Affected: yes.
Comment: This variant is considered likely benign or benign based on one or more of the following criteria: it is a conservative change, it occurs at a poorly conserved position in the protein, it is predicted to be benign by multiple in silico algorithms, and/or has population frequency not consistent with disease.

Breakthrough Genomics
Classification: Benign. Review status: criteria provided, single submitter. Criteria: ACMG Guidelines, 2015. Collection method: not provided. Allele origin: germline. Inheritance: Unknown mechanism. Affected: yes.

PreventionGenetics, part of Exact Sciences
Classification: Benign. Review status: criteria provided, single submitter. Criteria: ACMG Guidelines, 2015. Collection method: clinical testing. Allele origin: germline.

Clinical Genetics DNA and cytogenetics Diagnostics Lab, Erasmus MC, Erasmus Medical Center
Classification: Likely benign. Review status: no assertion criteria provided. Collection method: clinical testing. Allele origin: germline. Affected: yes. Study: VKGL Data-share Consensus. Not counted in ClinVar's aggregate classification.

Genome Diagnostics Laboratory, University Medical Center Utrecht
Classification: Likely benign. Review status: no assertion criteria provided. Collection method: clinical testing. Allele origin: germline. Affected: yes. Study: VKGL Data-share Consensus. Not counted in ClinVar's aggregate classification.